The following is an entry in ClinVar:

ClinVar aggregate classification (germline): Pathogenic/Likely pathogenic. Review status: criteria provided, multiple submitters, no conflicts (2 of 4 stars). 5 submissions from 5 submitters: Pathogenic (1); Likely pathogenic (4). Last evaluated 2023-02-19.

Conditions:
MCCC1-related disorder. Also called: MCCC1-related condition.
3-methylcrotonyl-CoA carboxylase 1 deficiency (MCC1D). Also called: MCCD TYPE 1; METHYLCROTONYLGLYCINURIA TYPE I; MCC 1 deficiency; 3 Alpha methylcrotonylglycinuria 1. Identifiers: Orphanet 6, MedGen CN028786, MONDO:0008861, OMIM 210200.

Allele frequency attached by ClinVar (database versions not stated): gnomAD exomes below 0.00001; TOPMed below 0.00001.
gnomAD v4.1: 2 of 1,614,118 alleles (0.00012%); highest among the groups gnomAD compares: African/African-American, 0.0013%; no homozygotes.

Submissions (5):

PreventionGenetics, part of Exact Sciences
Classification: Likely pathogenic for MCCC1-related condition. Last evaluated: 2023-02-19. Review status: criteria provided, single submitter. Criteria: ACMG Guidelines, 2015. Collection method: clinical testing. Allele origin: germline.
Comment: The MCCC1 c.640-1G>A variant is predicted to disrupt the AG splice acceptor site and interfere with normal splicing. To our knowledge, this variant has not been reported in the literature. A different variant predicted to affect the same splice site (c.640-2A>G) was reported in an individual with an abnormal newborn screen result suggestive of 3-methylcrotonyl-CoA carboxylase deficiency, although no second variant was identified in that patient (Fonseca et al. 2016. PubMed ID: 27601257). This variant is reported in 0.0062% of alleles in individuals of African descent in gnomAD. Variants that disrupt the consensus splice acceptor sites in MCCC1 are expected to be pathogenic. This variant is interpreted as likely pathogenic.

Labcorp Genetics (formerly Invitae), Labcorp
Classification: Likely pathogenic for 3-methylcrotonyl-CoA carboxylase 1 deficiency. Last evaluated: 2023-02-16. Review status: criteria provided, single submitter. Criteria: Invitae Variant Classification Sherloc (09022015). Collection method: clinical testing. Allele origin: germline.
Comment: This sequence change affects an acceptor splice site in intron 6 of the MCCC1 gene. It is expected to disrupt RNA splicing. Variants that disrupt the donor or acceptor splice site typically lead to a loss of protein function (PMID: 16199547), and loss-of-function variants in MCCC1 are known to be pathogenic (PMID: 11181649, 15359379, 22642865). This variant is present in population databases (rs727504005, gnomAD 0.007%). Disruption of this splice site has been observed in individual(s) with 3-methylcrotonyl-CoA carboxylase deficiency (Invitae). ClinVar contains an entry for this variant (Variation ID: 167273). Algorithms developed to predict the effect of sequence changes on RNA splicing suggest that this variant may disrupt the consensus splice site. In summary, the currently available evidence indicates that the variant is pathogenic, but additional data are needed to prove that conclusively. Therefore, this variant has been classified as Likely Pathogenic.

Baylor Genetics
Classification: Likely pathogenic for 3-methylcrotonyl-CoA carboxylase 1 deficiency. Last evaluated: 2023-01-12. Review status: criteria provided, single submitter. Criteria: ACMG Guidelines, 2015. Collection method: clinical testing. Allele origin: unknown.

Fulgent Genetics
Classification: Likely pathogenic for 3-methylcrotonyl-CoA carboxylase 1 deficiency. Last evaluated: 2021-10-26. Review status: criteria provided, single submitter. Criteria: ACMG Guidelines, 2015. Collection method: clinical testing. Allele origin: unknown.

Eurofins Ntd Llc (ga)
Classification: Pathogenic. Last evaluated: 2014-04-07. Review status: criteria provided, single submitter. Criteria: EGL Classification Definitions. Collection method: clinical testing. Allele origin: germline. Observed: 1 variant allele, 1 heterozygote.

Literature cited by the submitters: PubMed 16199547 (cited by Labcorp Genetics (formerly Invitae), Labcorp); PubMed 11181649 (cited by Labcorp Genetics (formerly Invitae), Labcorp); PubMed 15359379 (cited by Labcorp Genetics (formerly Invitae), Labcorp); PubMed 22642865 (cited by Labcorp Genetics (formerly Invitae), Labcorp).

NM_020166.5(MCCC1):c.640-1G>A

Gene: MCCC1 (methylcrotonyl-CoA carboxylase subunit 1; minus strand). Cytogenetic location: 3q27.1.
Variant type: single nucleotide variant.
Coding change: c.640-1G>A on transcript NM_020166.5 (MANE Select); the canonical splice acceptor site of the intron before coding-DNA position 640, G replaced by A.
Molecular consequence: splice acceptor variant.
Genome position (GRCh38, 1-based): chr3:183,071,121, C>T on the plus strand (G>A on the coding strand, the complement: MCCC1 is on the minus strand). VCF-style: chr3-183071121-C-T. GRCh37 (hg19) VCF-style: chr3-182788909-C-T.
Other names: c.640-1G>A (NM_020166.4); c.313-1G>A (NM_001363880.1); c.289-1G>A (NM_001293273.2).
Identifiers: ClinVar variation 167273 (VCV000167273.16), dbSNP rs727504005, ClinGen allele CA234241.